The following is an entry in ClinVar:

NM_019014.6(POLR1B):c.772A>G (p.Ser258Gly)

Gene: POLR1B (RNA polymerase I subunit B; plus strand). Cytogenetic location: 2q14.1.
Variant type: single nucleotide variant.
Coding change: c.772A>G on transcript NM_019014.6 (MANE Select); coding-DNA position 772, A replaced by G.
Protein change: p.Ser258Gly; replaces serine 258 with glycine.
Molecular consequence: missense variant.
Genome position (GRCh38, 1-based): chr2:112,551,784, A>G. VCF-style: chr2-112551784-A-G. GRCh37 (hg19) VCF-style: chr2-113309361-A-G.
Other names: c.604A>G, p.Ser202Gly (NM_001137604.3, NM_032212.2); c.886A>G, p.Ser296Gly (NM_001282772.2); c.772A>G, p.Ser258Gly (NM_001282774.2, NM_001371969.1); c.139A>G, p.Ser47Gly (NM_001282776.2, NM_001371971.1); c.355A>G, p.Ser119Gly (NM_001282777.2, NM_001282779.2, NM_001371970.1); short protein forms S119G, S47G, S202G, S258G, S296G.
Identifiers: ClinVar variation 2264099 (VCV002264099.9), dbSNP rs1683380627, ClinGen allele CA348268177.

ClinVar aggregate classification (germline): Uncertain significance. Review status: criteria provided, multiple submitters, no conflicts (2 of 4 stars). 2 submissions from 2 submitters: Uncertain significance (2). Last evaluated 2025-09-01.

Submissions (2):

CeGaT Center for Human Genetics Tuebingen
Classification: Uncertain significance. Last evaluated: 2025-09-01. Review status: criteria provided, single submitter. Criteria: CeGaT Center For Human Genetics Tuebingen Variant Classification Criteria Version 2. Collection method: clinical testing. Allele origin: germline. Affected: yes. Observed: 1 variant allele.
Comment: POLR1B: PM2:Supporting, BP4

Ambry Genetics
Classification: Uncertain significance. Last evaluated: 2021-12-03. Review status: criteria provided, single submitter. Criteria: Ambry Variant Classification Scheme 2023. Collection method: clinical testing. Allele origin: germline.